The following is an entry in ClinVar:

NM_001123385.2(BCOR):c.2997+1_2997+25del

Gene: BCOR (BCL6 corepressor; minus strand). Cytogenetic location: Xp11.4.
Variant type: Deletion.
Coding change: c.2997+1_2997+25del on transcript NM_001123385.2 (MANE Select); the canonical splice donor site of the intron after coding-DNA position 2997 through 25 bases into the intron after coding-DNA position 2997, 25 bases deleted (GTGAGCCCCCCCACCTGAATTTCAG).
Molecular consequence: splice donor variant.
Genome position (GRCh38, 1-based): chrX:40,072,324-40,072,348, CTGAAATTCAGGTGGGGGGGCTCAC deleted on the plus strand (GTGAGCCCCCCCACCTGAATTTCAG on the coding strand, the reverse complement: BCOR is on the minus strand); deleting any 25 consecutive bases within chrX:40,072,324-40,072,351 gives the same sequence; the c. name uses the placement nearest the transcript's 3' end. VCF-style (leftmost placement, unchanged base first): chrX-40072323-ACTGAAATTCAGGTGGGGGGGCTCAC-A. GRCh37 (hg19) VCF-style: chrX-39931576-ACTGAAATTCAGGTGGGGGGGCTCAC-A.
Other names: c.2997+1_2997+25del (NM_001123384.2, NM_001438207.1, NM_001123383.2 and 4 more transcripts).
Identifiers: ClinVar variation 4814195 (VCV004814195.1).

ClinVar aggregate classification (germline): Likely pathogenic (1 of 4 stars; one submission).

Conditions:
Oculofaciocardiodental syndrome (MCOPS2). Identifiers: Orphanet 2712, MedGen C1846265, MONDO:0010261, OMIM 300166.

Submission:

Rady Children's Institute for Genomic Medicine, Rady Children's Hospital San Diego
Classification: Likely pathogenic for Microphthalmia, syndromic 2. Last evaluated: 2024-12-19. Review status: criteria provided, single submitter. Criteria: ACMG Guidelines, 2015. Collection method: clinical testing. Allele origin: germline. Affected: yes.
Comment: This variant affects the canonical splice donor site of intron 4 and is therefore predicted to interfere with splicing and result in loss of normal protein function through either protein truncation or nonsense-mediated mRNA decay. Loss-of-function variation in BCOR is an established mechanism of disease (PMID: 19367324, 15770227). This variant has not been previously reported or functionally characterized in the literature to our knowledge. The c.2997+1_2997+25del variant is absent from the latest version of the gnomAD population database and thus is presumed to be rare. Based on parental analysis, this variant likely occurred as a de novo event. Based on the available evidence, c.2997+1_2997+25del is classified as Likely Pathogenic.

Literature cited by the submitters: PubMed 19367324; PubMed 15770227.